The following is an entry in ClinVar:

ClinVar aggregate classification (germline): not provided (0 of 4 stars; one submission).

Allele frequency attached by ClinVar (database versions not stated): gnomAD 0.00004 and 0.00032; TOPMed 0.00006; ESP Exome Variant Server 0.00008; 1000 Genomes Project 30x 0.00141; ExAC 0.00141; 1000 Genomes Project 0.00160.
gnomAD v4.1: 906 of 1,613,494 alleles (0.056%); highest among the groups gnomAD compares: South Asian, 0.9%; 11 homozygotes.

Submission:

ITMI
No classification provided. Condition: AllHighlyPenetrant. Last evaluated: 2013-09-19. Review status: no classification provided. Collection method: reference population. Allele origin: germline.
Comment: Please see associated publication for description of ethnicities

Literature cited by the submitters: PubMed 24728327.

NM_003820.4(TNFRSF14):c.785C>T (p.Pro262Leu)

Gene: TNFRSF14 (TNF receptor superfamily member 14; plus strand). Cytogenetic location: 1p36.32.
Variant type: single nucleotide variant.
Coding change: c.785C>T on transcript NM_003820.4 (MANE Select); coding-DNA position 785, C replaced by T.
Protein change: p.Pro262Leu; replaces proline 262 with leucine.
Molecular consequence: missense variant. On other transcripts: 3 prime UTR variant (1).
Genome position (GRCh38, 1-based): chr1:2,563,206, C>T. VCF-style: chr1-2563206-C-T. GRCh37 (hg19) VCF-style: chr1-2494645-C-T.
Other names: c.*87C>T (NM_001297605.2); short protein forms P262L.
Identifiers: ClinVar variation 135356 (VCV000135356.1), dbSNP rs371087831, ClinGen allele CA162465.